The following is an entry in ClinVar:

ClinVar aggregate classification (germline): Likely pathogenic (1 of 4 stars; one submission).

Conditions:
Glycogen storage disease, type II (IOPD). Also called: Pompe Disease; CARDIOMEGALIA GLYCOGENICA DIFFUSA; GLYCOGENOSIS, GENERALIZED, CARDIAC FORM; GSD II; POMPE DISEASE, INFANTILE-ONSET; GLYCOGEN STORAGE DISEASE II, INFANTILE-ONSET. Identifiers: Orphanet 365, MedGen C0017921, MONDO:0009290, OMIM 232300.

gnomAD v4.1: 1 of 1,613,298 alleles (0.000062%); no homozygotes.

Submission:

Genomenon, Inc
Classification: Likely pathogenic for Glycogen storage disease, type II. Last evaluated: 2026-07-01. Review status: criteria provided, single submitter. Criteria: Genomenon Sequence Variant Interpretation Standards - Updated. Collection method: curation. Allele origin: germline. Affected: yes.
Comment: GAA p.Tyr455Phe (c.1364A>T) is a missense variant that changes the amino acid at codon 455 from Tyrosine to Phenylalanine. This variant has been observed in at least one proband with a GAA-related disorder in the compound heterozygous and/or homozygous state (PMID:31239817). At least one functional study has demonstrated a substantial alteration in protein function relative to the wild-type (PMID:29286471;14695532;19862843;22990675). It is absent or not present at a significant frequency in gnomAD. In conclusion, we classify GAA p.Tyr455Phe (c.1364A>T) as a likely pathogenic variant.

Literature cited by the submitters: PubMed 31239817; PubMed 29286471; PubMed 14695532; PubMed 19862843; PubMed 22990675.

NM_000152.5(GAA):c.1364A>T (p.Tyr455Phe)

Gene: GAA (alpha glucosidase; plus strand). Cytogenetic location: 17q25.3.
Variant type: single nucleotide variant.
Coding change: c.1364A>T on transcript NM_000152.5 (MANE Select); coding-DNA position 1364, A replaced by T.
Protein change: p.Tyr455Phe; replaces tyrosine 455 with phenylalanine.
Molecular consequence: missense variant.
Genome position (GRCh38, 1-based): chr17:80,109,982, A>T. VCF-style: chr17-80109982-A-T. GRCh37 (hg19) VCF-style: chr17-78083781-A-T.
Other names: c.1364A>T, p.Tyr455Phe (NM_001079803.3, NM_001079804.3, NM_001406741.1 and 1 more transcripts); short protein forms Y455F.
Identifiers: ClinVar variation 4876333 (VCV004876333.1).